The following is an entry in ClinVar:

NM_003072.5(SMARCA4):c.935C>A (p.Ser312Tyr)

Gene: SMARCA4 (SWI/SNF related BAF chromatin remodeling complex subunit ATPase 4; plus strand). Cytogenetic location: 19p13.2.
Variant type: single nucleotide variant.
Coding change: c.935C>A on transcript NM_003072.5 (MANE Select); coding-DNA position 935, C replaced by A.
Protein change: p.Ser312Tyr; replaces serine 312 with tyrosine.
Molecular consequence: missense variant. On other transcripts: non-coding transcript variant (1).
Genome position (GRCh38, 1-based): chr19:10,987,741, C>A. VCF-style: chr19-10987741-C-A. GRCh37 (hg19) VCF-style: chr19-11098417-C-A.
Other names: c.935C>A, p.Ser312Tyr (NM_001128844.3, NM_001128845.2, NM_001128846.2 and 5 more transcripts); short protein forms S312Y.
Identifiers: ClinVar variation 1374260 (VCV001374260.6), dbSNP rs767826277, ClinGen allele CA404058487.

ClinVar aggregate classification (germline): Uncertain significance (1 of 4 stars; one submission).

Conditions:
Rhabdoid tumor predisposition syndrome 2 (RTPS2). Identifiers: Orphanet 231108, Orphanet 69077, MedGen C2750074, MONDO:0013224, OMIM 613325.

Submission:

Labcorp Genetics (formerly Invitae), Labcorp
Classification: Uncertain significance for Rhabdoid tumor predisposition syndrome 2. Last evaluated: 2024-09-08. Review status: criteria provided, single submitter. Criteria: Invitae Variant Classification Sherloc (09022015). Collection method: clinical testing. Allele origin: germline.
Comment: This sequence change replaces serine, which is neutral and polar, with tyrosine, which is neutral and polar, at codon 312 of the SMARCA4 protein (p.Ser312Tyr). This variant is not present in population databases (gnomAD no frequency). This variant has not been reported in the literature in individuals affected with SMARCA4-related conditions. ClinVar contains an entry for this variant (Variation ID: 1374260). Invitae Evidence Modeling of protein sequence and biophysical properties (such as structural, functional, and spatial information, amino acid conservation, physicochemical variation, residue mobility, and thermodynamic stability) has been performed for this missense variant. However, the output from this modeling did not meet the statistical confidence thresholds required to predict the impact of this variant on SMARCA4 protein function. In summary, the available evidence is currently insufficient to determine the role of this variant in disease. Therefore, it has been classified as a Variant of Uncertain Significance.